The following is an entry in ClinVar:

NM_001080779.2(MYO1C):c.2353C>A (p.Gln785Lys)

Gene: MYO1C (myosin IC; minus strand). Cytogenetic location: 17p13.3.
Variant type: single nucleotide variant.
Coding change: c.2353C>A on transcript NM_001080779.2 (MANE Select); coding-DNA position 2353, C replaced by A.
Protein change: p.Gln785Lys; replaces glutamine 785 with lysine.
Molecular consequence: missense variant.
Genome position (GRCh38, 1-based): chr17:1,470,448, G>T on the plus strand (C>A on the coding strand, the complement: MYO1C is on the minus strand). VCF-style: chr17-1470448-G-T. GRCh37 (hg19) VCF-style: chr17-1373742-G-T.
Other names: c.2296C>A, p.Gln766Lys (NM_001080950.2); c.2281C>A, p.Gln761Lys (NM_001363855.1); c.2248C>A, p.Gln750Lys (NM_033375.5); short protein forms Q750K, Q785K, Q761K, Q766K.
Identifiers: ClinVar variation 516881 (VCV000516881.29), dbSNP rs140604493, ClinGen allele CA8267034.
Genomic context (GRCh38, chr17:1,470,448, plus strand): 5'-CCCCCACGCCCTGCTCTGCAGCCCCCACAAGGCACCCTGGCGCTCACCGCCGGATGGTCT[G>T]TGCCGCCCACTTCCTCTTGGCTGCCTTCCTCCGGCCCAGTGTTCCACGCCACCACGACTG-3'
Protein context (NP_001074248.1, residues 775-795): RKAAKRKWAA[Gln785Lys]TIRRLIRGFV

ClinVar aggregate classification (germline): Likely benign. Review status: criteria provided, multiple submitters, no conflicts (2 of 4 stars). 4 submissions from 4 submitters: Likely benign (3). 1 of the submissions does not count toward it. Last evaluated 2023-03-01.

Conditions:
MYO1C-related disorder. Also called: MYO1C-related condition.

Allele frequency attached by ClinVar (database versions not stated): 1000 Genomes Project 30x 0.00234; 1000 Genomes Project 0.00240; gnomAD 0.00383 and 0.00387; ExAC 0.00394; gnomAD exomes 0.00409; TOPMed 0.00421; ESP Exome Variant Server 0.00474.
gnomAD v4.1: 7,859 of 1,550,630 alleles (0.51%); highest among the groups gnomAD compares: Non-Finnish European, 0.6%; 23 homozygotes.

Submissions (4):

CeGaT Center for Human Genetics Tuebingen
Classification: Likely benign. Last evaluated: 2023-03-01. Review status: criteria provided, single submitter. Criteria: CeGaT Center For Human Genetics Tuebingen Variant Classification Criteria Version 2. Collection method: clinical testing. Allele origin: germline. Affected: yes. Observed: 1 variant allele.
Comment: MYO1C: BP4, BS2

GeneDx
Classification: Likely benign. Last evaluated: 2018-07-20. Review status: criteria provided, single submitter. Criteria: GeneDx Variant Classification Process June 2021. Collection method: clinical testing. Allele origin: germline. Affected: yes.
Comment: This variant is associated with the following publications: (PMID: 19027848)

Breakthrough Genomics
Classification: Likely benign. Review status: criteria provided, single submitter. Criteria: ACMG Guidelines, 2015. Collection method: not provided. Allele origin: germline. Inheritance: Unknown mechanism. Affected: yes.

PreventionGenetics, part of Exact Sciences
Classification: Likely benign for MYO1C-related condition. Last evaluated: 2019-08-06. Review status: no assertion criteria provided. Collection method: clinical testing. Allele origin: germline. Not counted in ClinVar's aggregate classification.
Comment: This variant is classified as likely benign based on ACMG/AMP sequence variant interpretation guidelines (Richards et al. 2015 PMID: 25741868, with internal and published modifications).